The following is an entry in ClinVar:

NM_004260.4(RECQL4):c.2966T>G (p.Met989Arg)

Gene: RECQL4 (RecQ like helicase 4; minus strand). Cytogenetic location: 8q24.3.
Variant type: single nucleotide variant.
Coding change: c.2966T>G on transcript NM_004260.4 (MANE Select); coding-DNA position 2966, T replaced by G.
Protein change: p.Met989Arg; replaces methionine 989 with arginine.
Molecular consequence: missense variant.
Genome position (GRCh38, 1-based): chr8:144,512,481, A>C on the plus strand (T>G on the coding strand, the complement: RECQL4 is on the minus strand). VCF-style: chr8-144512481-A-C. GRCh37 (hg19) VCF-style: chr8-145737864-A-C.
Other names: short protein forms M989R.
Identifiers: ClinVar variation 528984 (VCV000528984.6), dbSNP rs767220757, ClinGen allele CA4947990.

ClinVar aggregate classification (germline): Uncertain significance (1 of 4 stars; one submission).

Conditions:
Baller-Gerold syndrome (BGS). Also called: CRANIOSYNOSTOSIS WITH RADIAL DEFECTS. Identifiers: Orphanet 1225, MedGen C0265308, MONDO:0009039, OMIM 218600.

Allele frequency attached by ClinVar (database versions not stated): gnomAD 0.00002; ExAC 0.00003.

Submission:

Labcorp Genetics (formerly Invitae), Labcorp
Classification: Uncertain significance for Baller-Gerold syndrome. Last evaluated: 2025-10-26. Review status: criteria provided, single submitter. Criteria: Invitae Variant Classification Sherloc (09022015). Collection method: clinical testing. Allele origin: germline.
Comment: This sequence change replaces methionine, which is neutral and non-polar, with arginine, which is basic and polar, at codon 989 of the RECQL4 protein (p.Met989Arg). This variant is present in population databases (rs767220757, gnomAD 0.005%). This variant has not been reported in the literature in individuals affected with RECQL4-related conditions. ClinVar contains an entry for this variant (Variation ID: 528984). Invitae Evidence Modeling of protein sequence and biophysical properties (such as structural, functional, and spatial information, amino acid conservation, physicochemical variation, residue mobility, and thermodynamic stability) has been performed for this missense variant. However, the output from this modeling did not meet the statistical confidence thresholds required to predict the impact of this variant on RECQL4 protein function. In summary, the available evidence is currently insufficient to determine the role of this variant in disease. Therefore, it has been classified as a Variant of Uncertain Significance.